The following is an entry in ClinVar:

ClinVar aggregate classification (germline): Benign/Likely benign. Review status: criteria provided, multiple submitters, no conflicts (2 of 4 stars). 4 submissions from 4 submitters: Benign (2); Likely benign (2). Last evaluated 2026-01-24.

Conditions:
Hereditary pulmonary alveolar proteinosis. Also called: Pulmonary surfactant metabolism dysfunction. Identifiers: Orphanet 264675, MedGen C3711368, MONDO:0012580.
Interstitial lung disease due to ABCA3 deficiency. Also called: PULMONARY ALVEOLAR PROTEINOSIS, CONGENITAL, 3. Identifiers: Orphanet 440402, MedGen C1970456, MONDO:0012582, OMIM 610921.

Allele frequency attached by ClinVar (database versions not stated): gnomAD 0.00004 and 0.00015; TOPMed 0.00005; 1000 Genomes Project 0.00020; 1000 Genomes Project 30x 0.00031; gnomAD exomes 0.00045; ExAC 0.00050.
gnomAD v4.1: 353 of 1,614,044 alleles (0.022%); highest among the groups gnomAD compares: South Asian, 0.32%; no homozygotes.

Submissions (4):

Labcorp Genetics (formerly Invitae), Labcorp
Classification: Benign. Last evaluated: 2026-01-24. Review status: criteria provided, single submitter. Criteria: Invitae Variant Classification Sherloc (09022015). Collection method: clinical testing. Allele origin: germline.

Blueprint Genetics
Classification: Benign. Last evaluated: 2024-11-19. Review status: criteria provided, single submitter. Criteria: ACMG Guidelines, 2015. Collection method: clinical testing. Allele origin: germline.

Ambry Genetics
Classification: Likely benign for Hereditary pulmonary alveolar proteinosis. Last evaluated: 2021-11-02. Review status: criteria provided, single submitter. Criteria: Ambry Variant Classification Scheme 2023. Collection method: clinical testing. Allele origin: germline.

Illumina Laboratory Services, Illumina
Classification: Likely benign for Interstitial lung disease due to ABCA3 deficiency. Last evaluated: 2018-01-12. Review status: criteria provided, single submitter. Criteria: ICSL Variant Classification Criteria 13 December 2019. Collection method: clinical testing. Allele origin: germline.
Comment: This variant was observed in the ICSL laboratory as part of a predisposition screen in an ostensibly healthy population. It had not been previously curated by ICSL or reported in the Human Gene Mutation Database (HGMD: prior to June 1st, 2018), and was therefore a candidate for classification through an automated scoring system. Utilizing variant allele frequency, disease prevalence and penetrance estimates, and inheritance mode, an automated score was calculated to assess if this variant is too frequent to cause the disease. Based on the score and internal cut-off values, a variant classified as likely benign is not then subjected to further curation. The score for this variant resulted in a classification of likely benign for this disease.

NM_001089.3(ABCA3):c.1890C>T (p.Tyr630=)

Gene: ABCA3 (ATP binding cassette subfamily A member 3; minus strand). Cytogenetic location: 16p13.3.
Variant type: single nucleotide variant.
Coding change: c.1890C>T on transcript NM_001089.3 (MANE Select); coding-DNA position 1890, C replaced by T.
Protein change: p.Tyr630=; no amino-acid change (tyrosine 630 retained).
Molecular consequence: synonymous variant.
Genome position (GRCh38, 1-based): chr16:2,298,392, G>A on the plus strand (C>T on the coding strand, the complement: ABCA3 is on the minus strand). VCF-style: chr16-2298392-G-A. GRCh37 (hg19) VCF-style: chr16-2348393-G-A.
Identifiers: ClinVar variation 886891 (VCV000886891.10), dbSNP rs572101154, ClinGen allele CA7841061.
Genomic context (GRCh38, chr16:2,298,392, plus strand): 5'-AAACTCGAGCACATCAGTGGAAACACCCCTGCACACCCCTGGCCCCCAACTCACCTGGGC[G>A]TAGAAATAAAGGTGCTCTGCGACTGTCAAGTTGTCAAACAGGATGTCGTGCTGCGGGCAC-3'
Protein context (NP_001080.2, residues 620-640): NLTVAEHLYF[Tyr630=]AQLKGLSRQK